The following is an entry in ClinVar:

NM_000748.3(CHRNB2):c.150C>T (p.Thr50=)

Gene: CHRNB2 (cholinergic receptor nicotinic beta 2 subunit; plus strand). Cytogenetic location: 1q21.3.
Variant type: single nucleotide variant.
Coding change: c.150C>T on transcript NM_000748.3 (MANE Select); coding-DNA position 150, C replaced by T.
Protein change: p.Thr50=; no amino-acid change (threonine 50 retained).
Molecular consequence: synonymous variant.
Genome position (GRCh38, 1-based): chr1:154,569,547, C>T. VCF-style: chr1-154569547-C-T. GRCh37 (hg19) VCF-style: chr1-154542023-C-T.
Identifiers: ClinVar variation 256778 (VCV000256778.23), dbSNP rs149921259, ClinGen allele CA1130641.

ClinVar aggregate classification (germline): Benign/Likely benign. Review status: criteria provided, multiple submitters, no conflicts (2 of 4 stars). 5 submissions from 5 submitters: Benign (1); Likely benign (4). Last evaluated 2026-03-01.

Conditions:
Familial sleep-related hypermotor epilepsy. Also called: Autosomal Dominant Sleep-Related Hypermotor (Hyperkinetic) Epilepsy. Identifiers: Orphanet 98784, MedGen C3696898, MONDO:0000030.
Inborn genetic diseases. Identifiers: MedGen C0950123, MeSH D030342.

Allele frequency attached by ClinVar (database versions not stated): gnomAD exomes 0.00004 and 0.00012; ExAC 0.00017; gnomAD 0.00039 and 0.00040; TOPMed 0.00043; ESP Exome Variant Server 0.00046; 1000 Genomes Project 30x 0.00062; 1000 Genomes Project 0.00080.

Submissions (5):

CeGaT Center for Human Genetics Tuebingen
Classification: Likely benign. Last evaluated: 2026-03-01. Review status: criteria provided, single submitter. Criteria: CeGaT Center For Human Genetics Tuebingen Variant Classification Criteria Version 2. Collection method: clinical testing. Allele origin: germline. Affected: yes. Observed: 1 variant allele.
Comment: CHRNB2: BP4, BP7, BS1

Labcorp Genetics (formerly Invitae), Labcorp
Classification: Benign. Last evaluated: 2026-01-05. Review status: criteria provided, single submitter. Criteria: Invitae Variant Classification Sherloc (09022015). Collection method: clinical testing. Allele origin: germline.

GeneDx
Classification: Likely benign. Last evaluated: 2020-11-14. Review status: criteria provided, single submitter. Criteria: GeneDx Variant Classification Process June 2021. Collection method: clinical testing. Allele origin: germline. Affected: yes.

Ambry Genetics
Classification: Likely benign for Inborn genetic diseases. Last evaluated: 2017-05-09. Review status: criteria provided, single submitter. Criteria: Ambry Variant Classification Scheme 2023. Collection method: clinical testing. Allele origin: germline.

PreventionGenetics, part of Exact Sciences
Classification: Likely benign. Review status: criteria provided, single submitter. Criteria: ACMG Guidelines, 2015. Collection method: clinical testing. Allele origin: germline.